The following is an entry in ClinVar:

NM_001303052.2(MYT1L):c.2670_2671del (p.Ser891fs)

Gene: MYT1L (myelin transcription factor 1 like; minus strand). Cytogenetic location: 2p25.3.
Variant type: Deletion.
Coding change: c.2670_2671del on transcript NM_001303052.2 (MANE Select); coding-DNA positions 2670 to 2671, 2 bases deleted (AA; older notation c.2670_2671delAA).
Protein change: p.Ser891fs; shifts the reading frame from serine 891.
Molecular consequence: frameshift variant.
Genome position (GRCh38, 1-based): chr2:1,886,579-1,886,580, TT deleted on the plus strand (AA on the coding strand, the reverse complement: MYT1L is on the minus strand); deleting any 2 consecutive bases within chr2:1,886,579-1,886,582 gives the same sequence; the c. name uses the placement nearest the transcript's 3' end. VCF-style (leftmost placement, unchanged base first): chr2-1886578-CTT-C. GRCh37 (hg19) VCF-style: chr2-1890350-CTT-C.
Other names: c.2670_2671del, p.Ser891fs (NM_001329844.2, NM_001329845.1, NM_001329851.3); c.2664_2665del, p.Ser889fs (NM_001329846.3, NM_001329847.2, NM_001329848.1 and 3 more transcripts); short protein forms S891fs, S889fs.
Identifiers: ClinVar variation 2270857 (VCV002270857.2), dbSNP rs2550684781, ClinGen allele CA2580064957.

ClinVar aggregate classification (germline): Pathogenic (1 of 4 stars; one submission).

Conditions:
Inborn genetic diseases. Identifiers: MedGen C0950123, MeSH D030342.

Submission:

Ambry Genetics
Classification: Pathogenic for Inborn genetic diseases. Last evaluated: 2022-02-15. Review status: criteria provided, single submitter. Criteria: Ambry Variant Classification Scheme 2023. Collection method: clinical testing. Allele origin: germline.
Comment: The c.2664_2665delAA (p.S889Hfs*20) alteration, located in exon 18 (coding exon 13) of the MYT1L gene, consists of a deletion of 2 nucleotides from position 2664 to 2665, causing a translational frameshift with a predicted alternate stop codon after 20 amino acids. This alteration is expected to result in loss of function by premature protein truncation or nonsense-mediated mRNA decay. This variant was not reported in population-based cohorts in the Genome Aggregation Database (gnomAD). Based on the available evidence, this alteration is classified as pathogenic.